The following is an entry in ClinVar:

ClinVar aggregate classification (germline): Likely benign (1 of 4 stars; one submission).

Conditions:
Malignant hyperthermia, susceptibility to, 1 (MHS1). Also called: Anesthesia related hyperthermia; Malignant hyperpyrexia; Fulminating hyperpyrexia; Pharmacogenic myopathy; RYR1-Related Malignant Hyperthermia Susceptibility; Malignant hyperthermia suceptibility 1. Identifiers: Orphanet 423, MedGen C2930980, MONDO:0007783, OMIM 145600.

Submission:

All of Us Research Program, National Institutes of Health
Classification: Likely benign for Malignant hyperthermia, susceptibility to, 1. Last evaluated: 2023-11-20. Review status: criteria provided, single submitter. Criteria: ACMG Guidelines, 2015. Collection method: clinical testing. Allele origin: germline. Inheritance: Autosomal dominant inheritance. Observed: 1 variant allele, 1 heterozygote.
Comment: This study involves interpretation of variants in research participants for the purpose of population health screening. Participant phenotype was not available at the time of variant classification. Additional details can be found in publication PMID: 35346344, PMCID: PMC8962531

NM_000540.3(RYR1):c.4518C>A (p.Gly1506=)

Gene: RYR1 (ryanodine receptor 1; plus strand). Cytogenetic location: 19q13.2.
Variant type: single nucleotide variant.
Coding change: c.4518C>A on transcript NM_000540.3 (MANE Select); coding-DNA position 4518, C replaced by A.
Protein change: p.Gly1506=; no amino-acid change (glycine 1506 retained).
Molecular consequence: synonymous variant.
Genome position (GRCh38, 1-based): chr19:38,478,498, C>A. VCF-style: chr19-38478498-C-A. GRCh37 (hg19) VCF-style: chr19-38969138-C-A.
Other names: c.4518C>A, p.Gly1506= (NM_001042723.2).
Identifiers: ClinVar variation 3074680 (VCV003074680.1), dbSNP rs1968856756, ClinGen allele CA507236908.